The following is an entry in ClinVar:

NM_001001563.5(TIMM50):c.167G>C (p.Gly56Ala)

Gene: TIMM50 (translocase of inner mitochondrial membrane 50; plus strand). Cytogenetic location: 19q13.2.
Variant type: single nucleotide variant.
Coding change: c.167G>C on transcript NM_001001563.5 (MANE Select); coding-DNA position 167, G replaced by C.
Protein change: p.Gly56Ala; replaces glycine 56 with alanine.
Molecular consequence: missense variant. On other transcripts: 5 prime UTR variant (1).
Genome position (GRCh38, 1-based): chr19:39,481,941, G>C. VCF-style: chr19-39481941-G-C. GRCh37 (hg19) VCF-style: chr19-39972581-G-C.
Other names: c.-114G>C (NM_001329559.2); c.476G>C (NM_001001563.3); short protein forms G56A.
Identifiers: ClinVar variation 1135669 (VCV001135669.34), dbSNP rs114065046, ClinGen allele CA9431691.

ClinVar aggregate classification (germline): Likely benign. Review status: criteria provided, multiple submitters, no conflicts (2 of 4 stars). 5 submissions from 5 submitters: Likely benign (4). 1 of the submissions does not count toward it. Last evaluated 2026-09-01.

Conditions:
TIMM50-related disorder. Also called: TIMM50-related condition.

Allele frequency attached by ClinVar (database versions not stated): 1000 Genomes Project 0.00180; 1000 Genomes Project 30x 0.00187; ExAC 0.00288; gnomAD exomes 0.00296 and 0.00370; ESP Exome Variant Server 0.00323; gnomAD 0.00354 and 0.00361; TOPMed 0.00366.
gnomAD v4.1: 5,981 of 1,614,190 alleles (0.37%); highest among the groups gnomAD compares: Admixed American, 0.52%; 24 homozygotes.

Submissions (5):

CeGaT Center for Human Genetics Tuebingen
Classification: Likely benign. Last evaluated: 2026-09-01. Review status: criteria provided, single submitter. Criteria: CeGaT Center For Human Genetics Tuebingen Variant Classification Criteria Version 2. Collection method: clinical testing. Allele origin: germline. Affected: yes. Observed: 13 variant alleles.
Comment: TIMM50: BP4, BS2

Labcorp Genetics (formerly Invitae), Labcorp
Classification: Likely benign. Last evaluated: 2026-02-03. Review status: criteria provided, single submitter. Criteria: Invitae Variant Classification Sherloc (09022015). Collection method: clinical testing. Allele origin: germline.

Blueprint Genetics
Classification: Likely benign. Last evaluated: 2024-11-26. Review status: criteria provided, single submitter. Criteria: ACMG Guidelines, 2015. Collection method: clinical testing. Allele origin: germline.

Breakthrough Genomics
Classification: Likely benign. Review status: criteria provided, single submitter. Criteria: ACMG Guidelines, 2015. Collection method: not provided. Allele origin: germline. Inheritance: Autosomal recessive inheritance. Affected: yes.

PreventionGenetics, part of Exact Sciences
Classification: Likely benign for TIMM50-related condition. Last evaluated: 2023-11-27. Review status: no assertion criteria provided. Collection method: clinical testing. Allele origin: germline. Not counted in ClinVar's aggregate classification.
Comment: This variant is classified as likely benign based on ACMG/AMP sequence variant interpretation guidelines (Richards et al. 2015 PMID: 25741868, with internal and published modifications).